The following is an entry in ClinVar:

NM_001572.5(IRF7):c.880A>G (p.Met294Val)

Gene: IRF7 (interferon regulatory factor 7; minus strand). Cytogenetic location: 11p15.5.
Variant type: single nucleotide variant.
Coding change: c.880A>G on transcript NM_001572.5 (MANE Select); coding-DNA position 880, A replaced by G.
Protein change: p.Met294Val; replaces methionine 294 with valine.
Molecular consequence: missense variant.
Genome position (GRCh38, 1-based): chr11:613,563, T>C on the plus strand (A>G on the coding strand, the complement: IRF7 is on the minus strand). VCF-style: chr11-613563-T-C. GRCh37 (hg19) VCF-style: chr11-613563-T-C.
Other names: c.793A>G, p.Met265Val (NM_004029.4); c.919A>G, p.Met307Val (NM_004031.4); short protein forms M294V, M307V, M265V.
Identifiers: ClinVar variation 2851755 (VCV002851755.3), dbSNP rs1388076363, ClinGen allele CA378979671.

ClinVar aggregate classification (germline): Uncertain significance (1 of 4 stars; one submission).

Conditions:
Immunodeficiency 39 (IMD39). Identifiers: Orphanet 574918, MedGen C4225358, MONDO:0014597, OMIM 616345.

Allele frequency attached by ClinVar (database versions not stated): gnomAD 0.00001.
gnomAD v4.1: 18 of 1,577,010 alleles (0.0011%); highest among the groups gnomAD compares: Non-Finnish European, 0.0015%; no homozygotes.

Submission:

Labcorp Genetics (formerly Invitae), Labcorp
Classification: Uncertain significance for Immunodeficiency 39. Last evaluated: 2025-04-28. Review status: criteria provided, single submitter. Criteria: Invitae Variant Classification Sherloc (09022015). Collection method: clinical testing. Allele origin: germline.
Comment: This sequence change replaces methionine, which is neutral and non-polar, with valine, which is neutral and non-polar, at codon 307 of the IRF7 protein (p.Met307Val). The frequency data for this variant in the population databases is considered unreliable, as metrics indicate poor data quality at this position in the gnomAD database. This variant has not been reported in the literature in individuals affected with IRF7-related conditions. ClinVar contains an entry for this variant (Variation ID: 2851755). Invitae Evidence Modeling of protein sequence and biophysical properties (such as structural, functional, and spatial information, amino acid conservation, physicochemical variation, residue mobility, and thermodynamic stability) has been performed for this missense variant. However, the output from this modeling did not meet the statistical confidence thresholds required to predict the impact of this variant on IRF7 protein function. In summary, the available evidence is currently insufficient to determine the role of this variant in disease. Therefore, it has been classified as a Variant of Uncertain Significance.